The following is an entry in ClinVar:

ClinVar aggregate classification (germline): Uncertain significance (1 of 4 stars; one submission).

Conditions:
Hereditary breast ovarian cancer syndrome. Also called: Hereditary breast and/or ovarian cancer syndrome; Breast and ovarian cancer; BRCA1- and BRCA2-Associated Hereditary Breast and Ovarian Cancer; Hereditary breast and ovarian cancer syndrome; Hereditary breast and ovarian cancer syndrome (HBOC); Hereditary breast and ovarian cancer. Identifiers: Orphanet 145, MedGen C0677776, MeSH D061325, MONDO:0003582. Disease mechanism: loss of function.

Submission:

Labcorp Genetics (formerly Invitae), Labcorp
Classification: Uncertain significance for Hereditary breast ovarian cancer syndrome. Last evaluated: 2020-01-13. Review status: criteria provided, single submitter. Criteria: Invitae Variant Classification Sherloc (09022015). Collection method: clinical testing. Allele origin: germline.
Comment: In summary, the available evidence is currently insufficient to determine the role of this variant in disease. Therefore, it has been classified as a Variant of Uncertain Significance. Experimental studies and prediction algorithms are not available or were not evaluated, and the functional significance of this variant is currently unknown. This variant has been reported in individuals in the Leiden Open-source Variation Database (PMID: 21520333). This variant is not present in population databases (ExAC no frequency). This variant, c.8736_8744del, results in the deletion of 3 amino acid(s) of the BRCA2 protein (p.Asp2913_Ala2915del), but otherwise preserves the integrity of the reading frame.

Literature cited by the submitters: PubMed 21520333.

NM_000059.4(BRCA2):c.8736_8744del (p.Asp2913_Ala2915del)

Gene: BRCA2 (BRCA2 DNA repair associated; plus strand). Cytogenetic location: 13q13.1.
Variant type: Deletion.
Coding change: c.8736_8744del on transcript NM_000059.4 (MANE Select); coding-DNA positions 8736 to 8744, 9 bases deleted (AGACCCAGC; older notation c.8736_8744delAGACCCAGC).
Protein change: p.Asp2913_Ala2915del.
Molecular consequence: inframe deletion.
Genome position (GRCh38, 1-based): chr13:32,376,773-32,376,781, AGACCCAGC deleted; deleting any 9 consecutive bases within chr13:32,376,769-32,376,781 gives the same sequence; the c. name uses the placement nearest the transcript's 3' end. VCF-style (leftmost placement, unchanged base first): chr13-32376768-GCAGCAGACC-G. GRCh37 (hg19) VCF-style: chr13-32950905-GCAGCAGACC-G.
Identifiers: ClinVar variation 1059375 (VCV001059375.9), dbSNP rs2137613352, ClinGen allele CA2499222342.
Genomic context (GRCh38, chr13:32,376,768, plus strand): 5'-ACAAGACAGCAAGTTCGTGCTTTGCAAGATGGTGCAGAGCTTTATGAAGCAGTGAAGAAT[GCAGCAGACC>G]CAGCTTACCTTGAGGTGAGAGAGTAAGAGGACATATAATGAGGCTTGATGATTATTCAAG-3'